The following is an entry in ClinVar:

NM_058179.4(PSAT1):c.884C>G (p.Pro295Arg)

Gene: PSAT1 (phosphoserine aminotransferase 1; plus strand). Cytogenetic location: 9q21.2.
Variant type: single nucleotide variant.
Coding change: c.884C>G on transcript NM_058179.4 (MANE Select); coding-DNA position 884, C replaced by G.
Protein change: p.Pro295Arg; replaces proline 295 with arginine.
Molecular consequence: missense variant. On other transcripts: intron variant (1).
Genome position (GRCh38, 1-based): chr9:78,328,065, C>G. VCF-style: chr9-78328065-C-G. GRCh37 (hg19) VCF-style: chr9-80942981-C-G.
Other names: c.870-916C>G (NM_021154.5); short protein forms P295R.
Identifiers: ClinVar variation 714429 (VCV000714429.13), dbSNP rs148080212, ClinGen allele CA5095765.
Genomic context (GRCh38, chr9:78,328,065, plus strand): 5'-CCATACATTTCAGAAAAGTAGCTGGAATAATAAACATGTTTTTCAGTTGTCCAGTGGAGC[C>G]CCAAAATAGAAGCAAGATGAATATTCCATTCCGCATTGGCAATGCCAAAGGAGATGATGC-3'
Protein context (NP_478059.1, residues 285-305): SQGFYVCPVE[Pro295Arg]QNRSKMNIPF

ClinVar aggregate classification (germline): Likely benign. Review status: criteria provided, multiple submitters, no conflicts (2 of 4 stars). 3 submissions from 3 submitters: Likely benign (2). 1 of the submissions does not count toward it. Last evaluated 2026-01-19.

Conditions:
PSAT1-related disorder. Also called: PSAT1-related disorders; PSAT1-related condition.
Neu-Laxova syndrome 2. Identifiers: Orphanet 2671, Orphanet 583602, MedGen C4015019, MONDO:0014466, OMIM 616038.

Allele frequency attached by ClinVar (database versions not stated): gnomAD exomes 0.00009 and 0.00022; ExAC 0.00030; 1000 Genomes Project 30x 0.00078; 1000 Genomes Project 0.00080; gnomAD 0.00090 and 0.00105; ESP Exome Variant Server 0.00115; TOPMed 0.00119.
gnomAD v4.1: 267 of 1,611,142 alleles (0.017%); highest among the groups gnomAD compares: African/African-American, 0.33%; 1 homozygote.

Submissions (3):

Labcorp Genetics (formerly Invitae), Labcorp
Classification: Likely benign for Neu-Laxova syndrome 2. Last evaluated: 2026-01-19. Review status: criteria provided, single submitter. Criteria: Invitae Variant Classification Sherloc (09022015). Collection method: clinical testing. Allele origin: germline.

PreventionGenetics, part of Exact Sciences
Classification: Likely benign for PSAT1-related condition. Last evaluated: 2024-10-28. Review status: criteria provided, single submitter. Criteria: ACMG Guidelines, 2015. Collection method: clinical testing. Allele origin: germline.
Comment: This variant is classified as likely benign based on ACMG/AMP sequence variant interpretation guidelines (Richards et al. 2015 PMID: 25741868, with internal and published modifications).

Dudley Research Group, Pacific Northwest Research Institute
No classification provided. Review status: no classification provided. Collection method: research, in vivo. Allele origin: unknown, not applicable. Functional consequence: function_uncertain_variant. Not counted in ClinVar's aggregate classification.